The following is an entry in ClinVar:

ClinVar aggregate classification (germline): Uncertain significance (1 of 4 stars; one submission).

gnomAD v4.1: 5 of 1,210,264 alleles (0.00041%); highest among the groups gnomAD compares: Non-Finnish European, 0.00056%; no homozygotes.

Submission:

CeGaT Center for Human Genetics Tuebingen
Classification: Uncertain significance. Last evaluated: 2026-02-01. Review status: criteria provided, single submitter. Criteria: CeGaT Center For Human Genetics Tuebingen Variant Classification Criteria Version 2. Collection method: clinical testing. Allele origin: germline. Affected: yes. Observed: 1 variant allele.
Comment: RPL10: PM2, PP2

NM_006013.5(RPL10):c.443T>C (p.Val148Ala)

Gene: RPL10 (ribosomal protein L10; plus strand). Cytogenetic location: Xq28.
Variant type: single nucleotide variant.
Coding change: c.443T>C on transcript NM_006013.5 (MANE Select); coding-DNA position 443, T replaced by C.
Protein change: p.Val148Ala; replaces valine 148 with alanine.
Molecular consequence: missense variant. On other transcripts: synonymous variant (1), intron variant (1).
Genome position (GRCh38, 1-based): chrX:154,400,577, T>C. VCF-style: chrX-154400577-T-C. GRCh37 (hg19) VCF-style: chrX-153628918-T-C.
Other names: c.432T>C, p.Cys144= (NM_001303626.1); c.330-125T>C (NM_001256577.2); c.335T>C, p.Val112Ala (NM_001256580.2); c.443T>C, p.Val148Ala (NM_001303624.2, NM_001303625.1); short protein forms V112A, V148A.
Identifiers: ClinVar variation 4822771 (VCV004822771.4).
Genomic context (GRCh38, chrX:154,400,577, plus strand): 5'-GGGTTCACATTGGCCAAGTTATCATGTCCATCCGCACCAAGCTGCAGAACAAGGAGCATG[T>C]GATTGAGGCCCTGCGCAGGGCCAAGTTCAAGTTTCCTGGCCGCCAGAAGGTATGTAGTGC-3'
Protein context (NP_006004.3, residues 138-158): IRTKLQNKEH[Val148Ala]IEALRRAKFK